The following is an entry in ClinVar:

NM_001042492.3(NF1):c.6664del (p.Thr2222fs)

Gene: NF1 (neurofibromin 1; plus strand). Cytogenetic location: 17q11.2.
Variant type: Deletion.
Coding change: c.6664del on transcript NM_001042492.3 (MANE Select); coding-DNA position 6664, one base deleted (A; older notation c.6664delA).
Protein change: p.Thr2222fs; shifts the reading frame from threonine 2222.
Molecular consequence: frameshift variant.
Genome position (GRCh38, 1-based): chr17:31,337,840, A deleted; the last of 2 consecutive A bases (chr17:31,337,839-31,337,840); deleting either gives the same sequence. VCF-style (leftmost placement, unchanged base first): chr17-31337838-CA-C. GRCh37 (hg19) VCF-style: chr17-29664856-CA-C.
Other names: c.6601delA, p.Thr2201Argfs (NM_000267.4); short protein forms T2222fs, T2201fs.
Identifiers: ClinVar variation 3717448 (VCV003717448.2).
Genomic context (GRCh38, chr17:31,337,838, plus strand): 5'-CATTTATGTACAATATGTATTCAGAGTATCCCCTTTTTTAGGCATGCATGAGAGATATTC[CA>C]ACGTGCAAGTGGCTGGACCAGTGGACAGAACTAGCTCAAAGGTATGTCCTAAATTAAATA-3'

ClinVar aggregate classification (germline): Pathogenic (1 of 4 stars; one submission).

Conditions:
Neurofibromatosis, type 1 (NF1). Also called: VON RECKLINGHAUSEN DISEASE; NEUROFIBROMATOSIS, TYPE I, SOMATIC; Peripheral type neurofibromatosis; Neurofibromatosis, type I. Identifiers: Orphanet 636, MedGen C0027831, MONDO:0018975, OMIM 162200. Disease mechanism: loss of function.

Submission:

Labcorp Genetics (formerly Invitae), Labcorp
Classification: Pathogenic for Neurofibromatosis, type 1. Last evaluated: 2024-09-16. Review status: criteria provided, single submitter. Criteria: Invitae Variant Classification Sherloc (09022015). Collection method: clinical testing. Allele origin: germline.
Comment: This sequence change creates a premature translational stop signal (p.Thr2201Argfs*11) in the NF1 gene. It is expected to result in an absent or disrupted protein product. Loss-of-function variants in NF1 are known to be pathogenic (PMID: 10712197, 23913538). This variant is not present in population databases (gnomAD no frequency). This premature translational stop signal has been observed in individual(s) with neurofibromatosis type 1 (PMID: 21354044). For these reasons, this variant has been classified as Pathogenic.

Literature cited by the submitters: PubMed 10712197; PubMed 23913538; PubMed 21354044.